The following is an entry in ClinVar:

NM_007186.6(CEP250):c.3033+4_3033+5insAT

Gene: CEP250 (centrosomal protein 250; plus strand). Cytogenetic location: 20q11.22.
Variant type: Insertion.
Coding change: c.3033+4_3033+5insAT on transcript NM_007186.6 (MANE Select); bases 4 to 5 of the intron after coding-DNA position 3033, AT inserted.
Molecular consequence: intron variant.
Genome position: GRCh38 VCF-style: chr20-35493576-C-CAT. GRCh37 (hg19) VCF-style: chr20-34081403-C-CAT.
Other names: c.1137+4_1137+5insAT (NM_001318219.1).
Identifiers: ClinVar variation 3044772 (VCV003044772.2), dbSNP rs2063756948, ClinGen allele CA2740097064.

ClinVar aggregate classification (germline): Likely benign (0 of 4 stars; one submission).

Conditions:
CEP250-related disorder. Also called: CEP250-related condition.

Submission:

PreventionGenetics, part of Exact Sciences
Classification: Likely benign for CEP250-related condition. Last evaluated: 2020-06-05. Review status: no assertion criteria provided. Collection method: clinical testing. Allele origin: germline.
Comment: This variant is classified as likely benign based on ACMG/AMP sequence variant interpretation guidelines (Richards et al. 2015 PMID: 25741868, with internal and published modifications).